The following is an entry in ClinVar:

ClinVar aggregate classification (germline): Benign. Review status: criteria provided, multiple submitters, no conflicts (2 of 4 stars). 2 submissions from 2 submitters: Benign (2). Last evaluated 2018-06-14.

Allele frequency attached by ClinVar (database versions not stated): gnomAD exomes 0.00271 and 0.00729; ExAC 0.00905; gnomAD 0.02764 and 0.02966; 1000 Genomes Project 0.02975; ESP Exome Variant Server 0.03068; TOPMed 0.03087; 1000 Genomes Project 30x 0.03186.
gnomAD v4.1: 8,319 of 1,584,486 alleles (0.53%); highest among the groups gnomAD compares: African/African-American, 9.5%; 395 homozygotes.

Submissions (2):

GeneDx
Classification: Benign. Last evaluated: 2018-06-14. Review status: criteria provided, single submitter. Criteria: GeneDx Variant Classification (06012015). Collection method: clinical testing. Allele origin: germline. Affected: yes.
Comment: This variant is considered likely benign or benign based on one or more of the following criteria: it is a conservative change, it occurs at a poorly conserved position in the protein, it is predicted to be benign by multiple in silico algorithms, and/or has population frequency not consistent with disease.

Breakthrough Genomics
Classification: Benign. Review status: criteria provided, single submitter. Criteria: ACMG Guidelines, 2015. Collection method: not provided. Allele origin: germline. Inheritance: Autosomal dominant inheritance. Affected: yes.

NM_024334.3(TMEM43):c.1001-41G>A

Gene: TMEM43 (transmembrane protein 43; plus strand). Cytogenetic location: 3p25.1.
Variant type: single nucleotide variant.
Coding change: c.1001-41G>A on transcript NM_024334.3 (MANE Select); 41 bases into the intron before coding-DNA position 1001, G replaced by A.
Molecular consequence: intron variant.
Genome position (GRCh38, 1-based): chr3:14,141,552, G>A. VCF-style: chr3-14141552-G-A. GRCh37 (hg19) VCF-style: chr3-14183052-G-A.
Identifiers: ClinVar variation 674125 (VCV000674125.2), dbSNP rs9874135, ClinGen allele CA050915.
Genomic context (GRCh38, chr3:14,141,552, plus strand): 5'-TGTAGCAACATGGGCCCATCCTCATCTAGGGACAGGAGAGATCTGCTGAGCTGGTGAGGT[G>A]TAGAGCAGGTGGCACCTCATCACCTTTCTCCTTTCCACAGTGGACTGGTTTCCTGTTTTC-3'